The following is an entry in ClinVar:

ClinVar aggregate classification (germline): Pathogenic. Review status: criteria provided, multiple submitters, no conflicts (2 of 4 stars). 6 submissions from 6 submitters: Pathogenic (6). Last evaluated 2025-10-30.

Conditions:
Neurofibromatosis, type 1 (NF1). Also called: Peripheral type neurofibromatosis; NEUROFIBROMATOSIS, TYPE I, SOMATIC; Neurofibromatosis, type I; VON RECKLINGHAUSEN DISEASE. Identifiers: Orphanet 636, MedGen C0027831, MONDO:0018975, OMIM 162200. Disease mechanism: loss of function.
NF1-related disorder. Also called: NF1-related condition. Identifiers: MedGen CN379171.
Hereditary cancer-predisposing syndrome. Also called: Neoplastic Syndromes, Hereditary; Tumor predisposition; Hereditary neoplastic syndrome; Hereditary Cancer Syndrome. Identifiers: Orphanet 140162, MedGen C0027672, MeSH D009386, MONDO:0015356.
Cardiovascular phenotype. Identifiers: MedGen CN230736.

Submissions (6):

Ambry Genetics
Classification: Pathogenic for Cardiovascular phenotype; Hereditary cancer-predisposing syndrome. Last evaluated: 2025-10-30. Review status: criteria provided, single submitter. Criteria: Ambry Variant Classification Scheme 2023. Collection method: clinical testing. Allele origin: germline.
Comment: The c.4545delT pathogenic mutation, located in coding exon 34 of the NF1 gene, results from a deletion of one nucleotide at nucleotide position 4545, causing a translational frameshift with a predicted alternate stop codon (p.F1515Lfs*38). This variant was reported in individual(s) with features consistent with neurofibromatosis type 1 (Pros E et al. Hum Mutat, 2008 Sep;29:E173-93). This variant is considered to be rare based on population cohorts in the Genome Aggregation Database (gnomAD). This alteration is expected to result in loss of function by premature protein truncation or nonsense-mediated mRNA decay. As such, this alteration is interpreted as a disease-causing mutation.

GeneDx
Classification: Pathogenic. Last evaluated: 2022-06-07. Review status: criteria provided, single submitter. Criteria: GeneDx Variant Classification Process June 2021. Collection method: clinical testing. Allele origin: germline. Affected: yes.
Comment: Frameshift variant predicted to result in protein truncation or nonsense mediated decay in a gene for which loss of function is a known mechanism of disease; Not observed at significant frequency in large population cohorts (gnomAD); This variant is associated with the following publications: (PMID: 18546366)

Genome-Nilou Lab
Classification: Pathogenic for Neurofibromatosis, type 1. Last evaluated: 2022-03-15. Review status: criteria provided, single submitter. Criteria: ACMG Guidelines, 2015. Collection method: clinical testing. Allele origin: germline. Affected: no.

Baylor Genetics
Classification: Pathogenic for Neurofibromatosis, type 1. Last evaluated: 2021-07-16. Review status: criteria provided, single submitter. Criteria: ACMG Guidelines, 2015. Collection method: clinical testing. Allele origin: unknown. Affected: yes. Study: CSER-TexasKidsCanSeq.
Comment: This variant was determined to be pathogenic according to ACMG Guidelines, 2015 [PMID:25741868].

Labcorp Genetics (formerly Invitae), Labcorp
Classification: Pathogenic for Neurofibromatosis, type 1. Last evaluated: 2021-07-08. Review status: criteria provided, single submitter. Criteria: Invitae Variant Classification Sherloc (09022015). Collection method: clinical testing. Allele origin: germline.
Comment: For these reasons, this variant has been classified as Pathogenic. This premature translational stop signal has been observed in individual(s) with clinical features of neurofibromatosis type 1 (PMID: 18546366). This variant is not present in population databases (ExAC no frequency). This sequence change creates a premature translational stop signal (p.Phe1515Leufs*38) in the NF1 gene. It is expected to result in an absent or disrupted protein product. Loss-of-function variants in NF1 are known to be pathogenic (PMID: 10712197, 23913538).

Blueprint Genetics
Classification: Pathogenic for NF1-related disorders. Last evaluated: 2020-08-19. Review status: criteria provided, single submitter. Criteria: ACMG Guidelines, 2015. Collection method: clinical testing. Allele origin: germline. Affected: yes. Observed: 2 variant alleles.

Literature cited by the submitters: PubMed 18546366 (cited by Ambry Genetics and Labcorp Genetics (formerly Invitae), Labcorp); PubMed 10712197 (cited by Labcorp Genetics (formerly Invitae), Labcorp); PubMed 23913538 (cited by Labcorp Genetics (formerly Invitae), Labcorp).

NM_001042492.3(NF1):c.4608del (p.Phe1536fs)

Gene: NF1 (neurofibromin 1; plus strand). Cytogenetic location: 17q11.2.
Variant type: Deletion.
Coding change: c.4608del on transcript NM_001042492.3 (MANE Select); coding-DNA position 4608, one base deleted (T; older notation c.4608delT).
Protein change: p.Phe1536fs; shifts the reading frame from phenylalanine 1536.
Molecular consequence: frameshift variant.
Genome position (GRCh38, 1-based): chr17:31,261,741, T deleted; the last of 4 consecutive T bases (chr17:31,261,738-31,261,741); deleting any one gives the same sequence. VCF-style (leftmost placement, unchanged base first): chr17-31261737-CT-C. GRCh37 (hg19) VCF-style: chr17-29588755-CT-C.
Other names: c.4542delT (NM_000267.3); c.4545delT, p.Phe1515Leufs (NM_000267.4); c.4545delT (NM_000267.3); short protein forms F1515fs, F1536fs.
Identifiers: ClinVar variation 1327066 (VCV001327066.13), dbSNP rs2151466252, ClinGen allele CA2018007658.